The following is an entry in ClinVar:

ClinVar aggregate classification (germline): Conflicting classifications of pathogenicity. Review status: criteria provided, conflicting classifications (1 of 4 stars). 6 submissions from 6 submitters: Uncertain significance (5); Likely benign (1). Last evaluated 2025-12-21.

Conditions:
Arrhythmogenic right ventricular dysplasia 8 (ARVD8). Also called: Arrhythmogenic Right Ventricular Dysplasia/Cardiomyopathy 8; ARRHYTHMOGENIC RIGHT VENTRICULAR CARDIOMYOPATHY 8; ARRHYTHMOGENIC RIGHT VENTRICULAR DYSPLASIA, FAMILIAL, 8. Identifiers: MedGen C1843896, MONDO:0011831, OMIM 607450.
Arrhythmogenic cardiomyopathy with wooly hair and keratoderma. Also called: Dilated cardiomyopathy with woolly hair and keratoderma; PALMOPLANTAR KERATODERMA WITH LEFT VENTRICULAR CARDIOMYOPATHY AND WOOLLY HAIR; Carvajal syndrome; Arrhythmogenic cardiomyopathy with woolly hair and keratoderma. Identifiers: Orphanet 65282, MedGen C1854063, MONDO:0011581, OMIM 605676.
Cardiovascular phenotype. Identifiers: MedGen CN230736.
Cardiomyopathy (CMYO). Also called: Cardiomyopathies. Identifiers: Orphanet 167848, MedGen C0878544, MONDO:0004994, HP:0001638. Inheritance: Various modes of inheritance.
DSP-related disorder. Also called: DSP-related condition; DSP-related disorders.

Allele frequency attached by ClinVar (database versions not stated): gnomAD 0.00003; TOPMed 0.00004.
gnomAD v4.1: 50 of 1,613,844 alleles (0.0031%); highest among the groups gnomAD compares: African/African-American, 0.011%; no homozygotes.

Submissions (6):

Labcorp Genetics (formerly Invitae), Labcorp
Classification: Likely benign for Arrhythmogenic cardiomyopathy with wooly hair and keratoderma; Arrhythmogenic right ventricular dysplasia 8. Last evaluated: 2025-12-21. Review status: criteria provided, single submitter. Criteria: Invitae Variant Classification Sherloc (09022015). Collection method: clinical testing. Allele origin: germline.

PreventionGenetics, part of Exact Sciences
Classification: Uncertain significance for DSP-related condition. Last evaluated: 2025-10-16. Review status: criteria provided, single submitter. Criteria: ACMG Guidelines, 2015. Collection method: clinical testing. Allele origin: germline.
Comment: The DSP c.484C>T variant is predicted to result in the amino acid substitution p.Arg162Cys. To our knowledge, this variant has not been reported in the literature. This variant is reported in 0.0056% of alleles in individuals of Latino descent in gnomAD. At this time, the clinical significance of this variant is uncertain due to the absence of conclusive functional and genetic evidence.

Color Diagnostics, LLC DBA Color Health
Classification: Uncertain significance for Cardiomyopathy. Last evaluated: 2024-03-06. Review status: criteria provided, single submitter. Criteria: ACMG Guidelines, 2015. Collection method: clinical testing. Allele origin: germline.
Comment: This missense variant replaces arginine with cysteine at codon 162 of the DSP protein. Computational prediction suggests that this variant may not impact protein structure and function (internally defined REVEL score threshold <= 0.5, PMID: 27666373). To our knowledge, functional studies have not been reported for this variant. This variant has not been reported in individuals affected with cardiovascular disorders in the literature. This variant has been identified in 5/282618 chromosomes in the general population by the Genome Aggregation Database (gnomAD). The available evidence is insufficient to determine the role of this variant in disease conclusively. Therefore, this variant is classified as a Variant of Uncertain Significance.

All of Us Research Program, National Institutes of Health
Classification: Uncertain significance for Arrhythmogenic cardiomyopathy with wooly hair and keratoderma. Last evaluated: 2024-03-05. Review status: criteria provided, single submitter. Criteria: ACMG Guidelines, 2015. Collection method: clinical testing. Allele origin: germline. Inheritance: Autosomal dominant inheritance. Observed: 2 variant alleles, 2 heterozygotes.
Comment: This missense variant replaces arginine with cysteine at codon 162 of the DSP protein. Computational prediction suggests that this variant may not impact protein structure and function (internally defined REVEL score threshold <= 0.5, PMID: 27666373). To our knowledge, functional studies have not been reported for this variant. This variant has not been reported in individuals affected with cardiovascular disorders in the literature. This variant has been identified in 5/282618 chromosomes in the general population by the Genome Aggregation Database (gnomAD). The available evidence is insufficient to determine the role of this variant in disease conclusively. Therefore, this variant is classified as a Variant of Uncertain Significance.

This study involves interpretation of variants in research participants for the purpose of population health screening. Participant phenotype was not available at the time of variant classification. Additional details can be found in publication PMID: 35346344, PMCID: PMC8962531

Ambry Genetics
Classification: Uncertain significance for Cardiovascular phenotype. Last evaluated: 2022-12-14. Review status: criteria provided, single submitter. Criteria: Ambry Variant Classification Scheme 2023. Collection method: clinical testing. Allele origin: germline.
Comment: The p.R162C variant (also known as c.484C>T), located in coding exon 4 of the DSP gene, results from a C to T substitution at nucleotide position 484. The arginine at codon 162 is replaced by cysteine, an amino acid with highly dissimilar properties. This amino acid position is conserved. In addition, the in silico prediction for this alteration is inconclusive. Since supporting evidence is limited at this time, the clinical significance of this alteration remains unclear.

ARUP Laboratories, Molecular Genetics and Genomics, ARUP Laboratories
Classification: Uncertain significance. Last evaluated: 2018-06-20. Review status: criteria provided, single submitter. Criteria: ARUP Molecular Germline Variant Investigation Process. Collection method: clinical testing. Allele origin: germline.
Comment: The p.Arg162Cys variant (rs760711308) has not been reported in the medical literature, gene specific variation databases, nor has it been previously identified by our laboratory. This variant is listed in the Genome Aggregation Database (gnomAD) with a frequency of 0.008 percent in the African population (identified on 2 out of 24,030 chromosomes). The arginine at position 162 is highly conserved up to C. elegans considering 12 species (Alamut v2.11) and computational analyses of the effects of the p.Arg162Cys variant on protein structure and function indicates a deleterious effect (SIFT: damaging, PolyPhen-2: probably damaging). Altogether, there is not enough evidence to classify the p.Arg162Cys variant with certainty.

NM_004415.4(DSP):c.484C>T (p.Arg162Cys)

Gene: DSP (desmoplakin; plus strand). Cytogenetic location: 6p24.3.
Variant type: single nucleotide variant.
Coding change: c.484C>T on transcript NM_004415.4 (MANE Select); coding-DNA position 484, C replaced by T.
Protein change: p.Arg162Cys; replaces arginine 162 with cysteine.
Molecular consequence: missense variant.
Genome position (GRCh38, 1-based): chr6:7,559,287, C>T. VCF-style: chr6-7559287-C-T. GRCh37 (hg19) VCF-style: chr6-7559520-C-T.
Other names: c.484C>T (LRG_423t1, NM_004415.3); c.484C>T, p.Arg162Cys (NM_001008844.3, NM_001319034.2); short protein forms R162C.
Identifiers: ClinVar variation 618609 (VCV000618609.24), dbSNP rs760711308, ClinGen allele CA043095.